The following is an entry in ClinVar:

ClinVar aggregate classification (germline): Uncertain significance (1 of 4 stars; one submission).

Conditions:
Intellectual developmental disorder, autosomal dominant 58. Also called: MENTAL RETARDATION, AUTOSOMAL DOMINANT 58; Intellectual disability, autosomal dominant 58. Identifiers: MedGen C4748195, MONDO:0020847, OMIM 618106.

Submission:

UNC Molecular Genetics  Laboratory, University of North Carolina at Chapel Hill
Classification: Uncertain significance for Intellectual developmental disorder, autosomal dominant 58. Last evaluated: 2021-11-23. Review status: criteria provided, single submitter. Criteria: ACMG Guidelines, 2015. Collection method: research. Allele origin: unknown. Observed: 1 variant allele. Study: CSER_NCGENES_2.
Comment: SET c.238A>T p.(Asn80Tyr) is a missense variant which is predicted to change a single amino acid from an asparagine to tyrosine. The asparagine amino acid at position 80 is highly conserved and located in the earmuff domain, similar to two previously reported pathogenic SET missense variants (PMID 29688601). The earmuff domain forms a dimer that binds core histone and double-stranded DNA, and is involved in histone chaperone activity (PMID 17360516). This variant is absent from gnomAD and to our knowledge has not been previously reported in affected individuals in the literature. Therefore, this variant is classified as a variant of uncertain significance.

NM_003011.4(SET):c.238A>T (p.Asn80Tyr)

Gene: SET (SET nuclear proto-oncogene; plus strand). Cytogenetic location: 9q34.11.
Variant type: single nucleotide variant.
Coding change: c.238A>T on transcript NM_003011.4 (MANE Select); coding-DNA position 238, A replaced by T.
Protein change: p.Asn80Tyr; replaces asparagine 80 with tyrosine.
Molecular consequence: missense variant.
Genome position (GRCh38, 1-based): chr9:128,691,964, A>T. VCF-style: chr9-128691964-A-T. GRCh37 (hg19) VCF-style: chr9-131454243-A-T.
Other names: c.277A>T, p.Asn93Tyr (NM_001122821.2, NM_001374326.1); c.211A>T, p.Asn71Tyr (NM_001248000.2); c.205A>T, p.Asn69Tyr (NM_001248001.2); short protein forms N69Y, N71Y, N80Y, N93Y.
Identifiers: ClinVar variation 1712279 (VCV001712279.1), dbSNP rs767379109, ClinGen allele CA375059437.